The following is an entry in ClinVar:

ClinVar aggregate classification (germline): Uncertain significance (1 of 4 stars; one submission).

Conditions:
Cornelia de Lange syndrome 1 (CDLS1). Also called: TYPUS DEGENERATIVUS AMSTELODAMENSIS; Brachmann de Lange syndrome; NIPBL-Related Cornelia de Lange Syndrome. Identifiers: Orphanet 199, MedGen C4551851, MONDO:0007387, OMIM 122470.

Submission:

Labcorp Genetics (formerly Invitae), Labcorp
Classification: Uncertain significance for Cornelia de Lange syndrome 1. Last evaluated: 2022-08-28. Review status: criteria provided, single submitter. Criteria: Invitae Variant Classification Sherloc (09022015). Collection method: clinical testing. Allele origin: germline.
Comment: In summary, the available evidence is currently insufficient to determine the role of this variant in disease. Therefore, it has been classified as a Variant of Uncertain Significance. Advanced modeling of protein sequence and biophysical properties (such as structural, functional, and spatial information, amino acid conservation, physicochemical variation, residue mobility, and thermodynamic stability) performed at Invitae indicates that this missense variant is expected to disrupt NIPBL protein function. This variant has not been reported in the literature in individuals affected with NIPBL-related conditions. This variant is not present in population databases (gnomAD no frequency). This sequence change replaces aspartic acid, which is acidic and polar, with valine, which is neutral and non-polar, at codon 1510 of the NIPBL protein (p.Asp1510Val).

NM_133433.4(NIPBL):c.4529A>T (p.Asp1510Val)

Gene: NIPBL (NIPBL cohesin loading factor; plus strand). Cytogenetic location: 5p13.2.
Variant type: single nucleotide variant.
Coding change: c.4529A>T on transcript NM_133433.4 (MANE Select); coding-DNA position 4529, A replaced by T.
Protein change: p.Asp1510Val; replaces aspartic acid 1510 with valine.
Molecular consequence: missense variant.
Genome position (GRCh38, 1-based): chr5:37,010,194, A>T. VCF-style: chr5-37010194-A-T. GRCh37 (hg19) VCF-style: chr5-37010296-A-T.
Other names: c.4529A>T, p.Asp1510Val (NM_015384.5); short protein forms D1510V.
Identifiers: ClinVar variation 1718254 (VCV001718254.5), dbSNP rs1416720608, ClinGen allele CA359528019.